The following is an entry in ClinVar:

ClinVar aggregate classification (germline): not provided (0 of 4 stars; one submission).

Conditions:
Normal pregnancy. Identifiers: MedGen C0232989.

Submission:

Institute of Molecular and Cell Biology, University of Tartu
No classification provided. Condition: Normal pregnancy. Review status: no classification provided. Collection method: case-control. Allele origin: unknown. Affected: yes. Study: Kasak2014.
Comment: The study aimed to determine the contribution of copy number variants in the genetic etiology of normal and complicated pregnancies. The samples represented (i) maternal blood DNA drawn from healthy pregnant women during 1st or 2nd trimester and (ii) maternal and paternal blood DNA drawn at term pregnancy cases representing normal and complicated gestations (severe preeclampsia, PE; gestational diabetes, GD; small-for-gestational age newborn, SGA; large-for-gestational age newborn, LGA). We performed CNV calling based on genome-wide genotyping dataset (Illumina HumanOmniExpress-24-v1 BeadChip) by applying three algorithms, QuantiSNP, GADA (Genome Alteration Detection Algorithm) and CNstream in parallel. The acquired CNV calls were merged with HD-CNV (Hotspot Detector for Copy Number Variants) program and only the CNVs predicted by at least two programs, were considered in subsequent analysis.

Literature cited by the submitters: PubMed 25666259.

Single allele

Genes: HRG (histidine rich glycoprotein; plus strand), LOC126806897 (BRD4-independent group 4 enhancer GRCh37_chr3:186386725-186387924; plus strand). Cytogenetic location: 3q27.3.
Variant type: Deletion.
Identifiers: ClinVar variation 156902 (VCV000156902.2).